The following is an entry in ClinVar:

ClinVar aggregate classification (germline): Uncertain significance (1 of 4 stars; one submission).

Submission:

GeneDx
Classification: Uncertain significance. Last evaluated: 2021-06-18. Review status: criteria provided, single submitter. Criteria: GeneDx Variant Classification Process June 2021. Collection method: clinical testing. Allele origin: germline. Affected: yes.
Comment: Not observed in large population cohorts (Lek et al., 2016); In silico analysis, which includes splice predictors and evolutionary conservation, supports that this variant does not alter protein structure/function; Has not been previously published as pathogenic or benign to our knowledge

NM_014254.3(RXYLT1):c.333T>C (p.Tyr111=)

Gene: RXYLT1 (ribitol xylosyltransferase 1; plus strand). Cytogenetic location: 12q14.2.
Variant type: single nucleotide variant.
Coding change: c.333T>C on transcript NM_014254.3 (MANE Select); coding-DNA position 333, T replaced by C.
Protein change: p.Tyr111=; no amino-acid change (tyrosine 111 retained).
Molecular consequence: synonymous variant. On other transcripts: 5 prime UTR variant (1).
Genome position (GRCh38, 1-based): chr12:63,784,977, T>C. VCF-style: chr12-63784977-T-C. GRCh37 (hg19) VCF-style: chr12-64178757-T-C.
Other names: c.-448T>C (NM_001278237.2).
Identifiers: ClinVar variation 1310334 (VCV001310334.2), dbSNP rs1897767495, ClinGen allele CA480535618.